The following is an entry in ClinVar:

ClinVar aggregate classification (germline): Likely benign. Review status: criteria provided, single submitter (1 of 4 stars). 2 submissions from 2 submitters: Likely benign (1). 1 of the submissions does not count toward it. Last evaluated 2023-12-12.

Conditions:
PCNT-related disorder. Also called: PCNT-related condition.

Submissions (2):

Labcorp Genetics (formerly Invitae), Labcorp
Classification: Likely benign. Last evaluated: 2023-12-12. Review status: criteria provided, single submitter. Criteria: Invitae Variant Classification Sherloc (09022015). Collection method: clinical testing. Allele origin: germline.

PreventionGenetics, part of Exact Sciences
Classification: Likely benign for PCNT-related condition. Last evaluated: 2023-04-20. Review status: no assertion criteria provided. Collection method: clinical testing. Allele origin: germline. Not counted in ClinVar's aggregate classification.
Comment: This variant is classified as likely benign based on ACMG/AMP sequence variant interpretation guidelines (Richards et al. 2015 PMID: 25741868, with internal and published modifications).

NM_006031.6(PCNT):c.3087T>C (p.Ser1029=)

Gene: PCNT (pericentrin; plus strand). Cytogenetic location: 21q22.3.
Variant type: single nucleotide variant.
Coding change: c.3087T>C on transcript NM_006031.6 (MANE Select); coding-DNA position 3087, T replaced by C.
Protein change: p.Ser1029=; no amino-acid change (serine 1029 retained).
Molecular consequence: synonymous variant.
Genome position (GRCh38, 1-based): chr21:46,367,061, T>C. VCF-style: chr21-46367061-T-C. GRCh37 (hg19) VCF-style: chr21-47786976-T-C.
Other names: c.3087T>C (NM_006031.5); c.2733T>C, p.Ser911= (NM_001315529.2).
Identifiers: ClinVar variation 2802502 (VCV002802502.4), dbSNP rs2518264217, ClinGen allele CA512734476.